The following is an entry in ClinVar:

ClinVar aggregate classification (germline): Likely benign (0 of 4 stars; one submission).

Conditions:
PIK3R2-related disorder. Also called: PIK3R2-related condition.

Allele frequency attached by ClinVar (database versions not stated): ExAC 0.00001.
gnomAD v4.1: 58 of 1,613,964 alleles (0.0036%); highest among the groups gnomAD compares: Non-Finnish European, 0.0047%; no homozygotes.

Submission:

PreventionGenetics, part of Exact Sciences
Classification: Likely benign for PIK3R2-related condition. Last evaluated: 2022-02-17. Review status: no assertion criteria provided. Collection method: clinical testing. Allele origin: germline.
Comment: This variant is classified as likely benign based on ACMG/AMP sequence variant interpretation guidelines (Richards et al. 2015 PMID: 25741868, with internal and published modifications).

NM_005027.4(PIK3R2):c.1416+8A>C

Gene: PIK3R2 (phosphoinositide-3-kinase regulatory subunit 2; plus strand). Cytogenetic location: 19p13.11.
Variant type: single nucleotide variant.
Coding change: c.1416+8A>C on transcript NM_005027.4 (MANE Select); 8 bases into the intron after coding-DNA position 1416, A replaced by C.
Molecular consequence: intron variant.
Genome position (GRCh38, 1-based): chr19:18,163,396, A>C. VCF-style: chr19-18163396-A-C. GRCh37 (hg19) VCF-style: chr19-18274206-A-C.
Identifiers: ClinVar variation 3036117 (VCV003036117.2), dbSNP rs773290363, ClinGen allele CA9307001.